The following is an entry in ClinVar:

ClinVar aggregate classification (germline): Uncertain significance (1 of 4 stars; one submission).

Conditions:
Intellectual developmental disorder, autosomal dominant 45. Also called: MENTAL RETARDATION, AUTOSOMAL DOMINANT 45; Intellectual disability, autosomal dominant 45. Identifiers: MedGen C4539848, MONDO:0030910, OMIM 617600.

Submission:

Laboratorio de Genetica e Diagnostico Molecular, Hospital Israelita Albert Einstein
Classification: Uncertain significance for Intellectual developmental disorder, autosomal dominant 45. Last evaluated: 2025-07-04. Review status: criteria provided, single submitter. Criteria: ACMG Guidelines, 2015. Collection method: clinical testing. Allele origin: germline. Affected: yes.
Comment: ACMG classification criteria: PM2 supporting

NM_001386298.1(CIC):c.2315C>T (p.Pro772Leu)

Gene: CIC (capicua transcriptional repressor; plus strand). Cytogenetic location: 19q13.2.
Variant type: single nucleotide variant.
Coding change: c.2315C>T on transcript NM_001386298.1 (MANE Select); coding-DNA position 2315, C replaced by T.
Protein change: p.Pro772Leu; replaces proline 772 with leucine.
Molecular consequence: missense variant.
Genome position (GRCh38, 1-based): chr19:42,274,098, C>T. VCF-style: chr19-42274098-C-T. GRCh37 (hg19) VCF-style: chr19-42778250-C-T.
Other names: c.2315C>T, p.Pro772Leu (NM_001304815.2, NM_001379480.1, NM_001379482.1 and 6 more transcripts); short protein forms P772L.
Identifiers: ClinVar variation 4846997 (VCV004846997.1).